The following is an entry in ClinVar:

NM_001009944.3(PKD1):c.12173dup (p.Ala4059fs)

Gene: PKD1 (polycystin 1, transient receptor potential channel interacting; minus strand). Cytogenetic location: 16p13.3.
Variant type: Duplication.
Coding change: c.12173dup on transcript NM_001009944.3 (MANE Select); coding-DNA position 12173, one base duplicated (T; older notation c.12173dupT).
Protein change: p.Ala4059fs; shifts the reading frame from alanine 4059.
Molecular consequence: frameshift variant.
Genome position (GRCh38, 1-based): chr16:2,090,556, A duplicated on the plus strand (T on the coding strand, the reverse complement: PKD1 is on the minus strand). VCF-style (leftmost placement, unchanged base first): chr16-2090555-C-CA. GRCh37 (hg19) VCF-style: chr16-2140556-C-CA.
Other names: c.12170dup, p.Ala4058fs (NM_000296.4); c.12173dupT (NM_001009944.3); short protein forms A4058fs, A4059fs.
Identifiers: ClinVar variation 4887539 (VCV004887539.1).

ClinVar aggregate classification (germline): Pathogenic (1 of 4 stars; one submission).

Conditions:
Polycystic kidney disease, adult type (PKD1). Also called: POLYCYSTIC KIDNEY DISEASE 1 WITH OR WITHOUT POLYCYSTIC LIVER DISEASE; POLYCYSTIC KIDNEY DISEASE, ADULT, TYPE I; Polycystic Kidney Disease 1, Autosomal Dominant; Polycystic kidney disease 1; Polycystic kidney disease 1, severe; Polycystic Kidney, Autosomal Dominant. Identifiers: MedGen C3149841, MONDO:0008263, OMIM 173900.

Submission:

Women's Health and Genetics/Laboratory Corporation of America, LabCorp
Classification: Pathogenic for Polycystic kidney disease, adult type. Last evaluated: 2026-06-03. Review status: criteria provided, single submitter. Criteria: LabCorp Variant Classification Summary - May 2015. Collection method: clinical testing. Allele origin: germline.
Comment: Variant summary: PKD1 c.12173dupT (p.Ala4059GlyfsX98) results in a premature termination codon in the last exon and is predicted to cause a truncation of the encoded protein; however, nonsense mediated decay is not expected to occur. The variant was absent in 240350 control chromosomes. To our knowledge, no occurrence of c.12173dupT in individuals affected with PKD1-related conditions and no experimental evidence demonstrating its impact on protein function have been reported. Several downstream variants have been classified as Pathogenic/Likely Pathogenic (c.12489_12490delTC/p.Arg4164LeufsX45), c.12591_12592insGGCCG/p.Ser4198GlyfsX4, c.12592_12608dup17/p.Leu4204AlafsX2, c.12724C>T/p.Gln4242X) by our laboratory, providing evidence that the region altered by the variant is critical to protein function. No submitters have cited clinical-significance assessments for this variant to ClinVar. Based on the evidence outlined above, the variant was classified as pathogenic.